The following is an entry in ClinVar:

ClinVar aggregate classification (germline): Uncertain significance (1 of 4 stars; one submission).

Allele frequency attached by ClinVar (database versions not stated): ExAC 0.00001; gnomAD exomes 0.00001; gnomAD 0.00003; TOPMed 0.00003.
gnomAD v4.1: 24 of 1,613,910 alleles (0.0015%); highest among the groups gnomAD compares: Middle Eastern, 0.033%; no homozygotes.

Submission:

Labcorp Genetics (formerly Invitae), Labcorp
Classification: Uncertain significance. Last evaluated: 2024-10-15. Review status: criteria provided, single submitter. Criteria: Invitae Variant Classification Sherloc (09022015). Collection method: clinical testing. Allele origin: germline.
Comment: This sequence change replaces valine, which is neutral and non-polar, with isoleucine, which is neutral and non-polar, at codon 389 of the SLC1A2 protein (p.Val389Ile). This variant is present in population databases (rs769682164, gnomAD 0.01%). This variant has not been reported in the literature in individuals affected with SLC1A2-related conditions. ClinVar contains an entry for this variant (Variation ID: 1402645). Invitae Evidence Modeling of protein sequence and biophysical properties (such as structural, functional, and spatial information, amino acid conservation, physicochemical variation, residue mobility, and thermodynamic stability) indicates that this missense variant is not expected to disrupt SLC1A2 protein function with a negative predictive value of 80%. In summary, the available evidence is currently insufficient to determine the role of this variant in disease. Therefore, it has been classified as a Variant of Uncertain Significance.

NM_004171.4(SLC1A2):c.1165G>A (p.Val389Ile)

Gene: SLC1A2 (solute carrier family 1 member 2; minus strand). Cytogenetic location: 11p13.
Variant type: single nucleotide variant.
Coding change: c.1165G>A on transcript NM_004171.4 (MANE Select); coding-DNA position 1165, G replaced by A.
Protein change: p.Val389Ile; replaces valine 389 with isoleucine.
Molecular consequence: missense variant.
Genome position (GRCh38, 1-based): chr11:35,286,878, C>T on the plus strand (G>A on the coding strand, the complement: SLC1A2 is on the minus strand). VCF-style: chr11-35286878-C-T. GRCh37 (hg19) VCF-style: chr11-35308425-C-T.
Other names: c.1138G>A, p.Val380Ile (NM_001195728.3, NM_001252652.2); short protein forms V380I, V389I.
Identifiers: ClinVar variation 1402645 (VCV001402645.7), dbSNP rs769682164, ClinGen allele CA5947140.